The following is an entry in ClinVar:

NM_018685.5(ANLN):c.515C>T (p.Ser172Leu)

Gene: ANLN (anillin, actin binding protein; plus strand). Cytogenetic location: 7p14.2.
Variant type: single nucleotide variant.
Coding change: c.515C>T on transcript NM_018685.5 (MANE Select); coding-DNA position 515, C replaced by T.
Protein change: p.Ser172Leu; replaces serine 172 with leucine.
Molecular consequence: missense variant.
Genome position (GRCh38, 1-based): chr7:36,406,208, C>T. VCF-style: chr7-36406208-C-T. GRCh37 (hg19) VCF-style: chr7-36445817-C-T.
Other names: c.515C>T, p.Ser172Leu (NM_001284301.3, NM_001284302.3); short protein forms S172L.
Identifiers: ClinVar variation 4694170 (VCV004694170.1).
Genomic context (GRCh38, chr7:36,406,208, plus strand): 5'-TGGTTTTTAACTCTTTTCTGAAAACATTTTCAGATGACATTCCTGAAAGCTCACTCTTCT[C>T]ACCAATGCCATCAGAGGAAAAGGCTGCTTCCCCTCCCAGACCTCTGCTTTCAAATGCCTC-3'
Protein context (NP_061155.2, residues 162-182): TDDIPESSLF[Ser172Leu]PMPSEEKAAS

ClinVar aggregate classification (germline): Uncertain significance (1 of 4 stars; one submission).

gnomAD v4.1: 2 of 1,609,342 alleles (0.00012%); highest among the groups gnomAD compares: Non-Finnish European, 0.00017%; no homozygotes.

Submission:

Labcorp Genetics (formerly Invitae), Labcorp
Classification: Uncertain significance. Last evaluated: 2025-11-05. Review status: criteria provided, single submitter. Criteria: Invitae Variant Classification Sherloc (09022015). Collection method: clinical testing. Allele origin: germline.
Comment: This sequence change replaces serine, which is neutral and polar, with leucine, which is neutral and non-polar, at codon 172 of the ANLN protein (p.Ser172Leu). This variant is not present in population databases (gnomAD no frequency). This variant has not been reported in the literature in individuals affected with ANLN-related conditions. An algorithm developed to predict the effect of missense changes on protein structure and function outputs the following: PolyPhen-2: "Benign". The leucine amino acid residue is found in multiple mammalian species, which suggests that this missense change does not adversely affect protein function. In summary, the available evidence is currently insufficient to determine the role of this variant in disease. Therefore, it has been classified as a Variant of Uncertain Significance.